The following is an entry in ClinVar:

ClinVar aggregate classification (germline): Uncertain significance (1 of 4 stars; one submission).

Conditions:
Hereditary cancer-predisposing syndrome. Also called: Hereditary neoplastic syndrome; Neoplastic Syndromes, Hereditary; Tumor predisposition; Hereditary Cancer Syndrome. Identifiers: Orphanet 140162, MedGen C0027672, MeSH D009386, MONDO:0015356.

gnomAD v4.1: 5 of 1,592,112 alleles (0.00031%); highest among the groups gnomAD compares: Non-Finnish European, 0.00043%; no homozygotes.

Submission:

Ambry Genetics
Classification: Uncertain significance for Hereditary cancer-predisposing syndrome. Last evaluated: 2024-12-19. Review status: criteria provided, single submitter. Criteria: Ambry Variant Classification Scheme 2023. Collection method: clinical testing. Allele origin: germline.
Comment: The p.E305G variant (also known as c.914A>G), located in coding exon 9 of the BRCA2 gene, results from an A to G substitution at nucleotide position 914. The glutamic acid at codon 305 is replaced by glycine, an amino acid with similar properties. This amino acid position is well conserved in available vertebrate species. In addition, this alteration is predicted to be tolerated by in silico analysis. Based on the available evidence, the clinical significance of this variant remains unclear.

NM_000059.4(BRCA2):c.914A>G (p.Glu305Gly)

Gene: BRCA2 (BRCA2 DNA repair associated; plus strand). Cytogenetic location: 13q13.1.
Variant type: single nucleotide variant.
Coding change: c.914A>G on transcript NM_000059.4 (MANE Select); coding-DNA position 914, A replaced by G.
Protein change: p.Glu305Gly; replaces glutamic acid 305 with glycine.
Molecular consequence: missense variant. On other transcripts: non-coding transcript variant (1), intron variant (1).
Genome position (GRCh38, 1-based): chr13:32,332,392, A>G. VCF-style: chr13-32332392-A-G. GRCh37 (hg19) VCF-style: chr13-32906529-A-G.
Other names: c.914A>G, p.Glu305Gly (NM_001406720.1, NM_001406721.1, NM_001432077.1 and 1 more transcripts); c.424+1362A>G (NM_001406722.1); short protein forms E305G.
Identifiers: ClinVar variation 3825378 (VCV003825378.1).
Genomic context (GRCh38, chr13:32,332,392, plus strand): 5'-AGTCAATGCCAAATGTCCTAGAAGATGAAGTATATGAAACAGTTGTAGATACCTCTGAAG[A>G]AGATAGTTTTTCATTATGTTTTTCTAAATGTAGAACAAAAAATCTACAAAAAGTAAGAAC-3'
Protein context (NP_000050.3, residues 295-315): VYETVVDTSE[Glu305Gly]DSFSLCFSKC